The following is an entry in ClinVar:

ClinVar aggregate classification (germline): Uncertain significance. Review status: criteria provided, multiple submitters, no conflicts (2 of 4 stars). 2 submissions from 2 submitters: Uncertain significance (2). Last evaluated 2025-10-29.

Conditions:
Inborn genetic diseases. Identifiers: MedGen C0950123, MeSH D030342.

Allele frequency attached by ClinVar (database versions not stated): ExAC 0.00001; gnomAD exomes below 0.00001.
gnomAD v4.1: 8 of 1,536,238 alleles (0.00052%); highest among the groups gnomAD compares: Admixed American, 0.004%; no homozygotes.

Submissions (2):

Ambry Genetics
Classification: Uncertain significance for Inborn genetic diseases. Last evaluated: 2025-10-29. Review status: criteria provided, single submitter. Criteria: Ambry Variant Classification Scheme 2023. Collection method: clinical testing. Allele origin: germline.

Labcorp Genetics (formerly Invitae), Labcorp
Classification: Uncertain significance. Last evaluated: 2025-05-11. Review status: criteria provided, single submitter. Criteria: Invitae Variant Classification Sherloc (09022015). Collection method: clinical testing. Allele origin: germline.
Comment: This sequence change replaces lysine, which is basic and polar, with glutamic acid, which is acidic and polar, at codon 1502 of the MAST1 protein (p.Lys1502Glu). This variant is present in population databases (rs747131736, gnomAD 0.004%). This variant has not been reported in the literature in individuals affected with MAST1-related conditions. ClinVar contains an entry for this variant (Variation ID: 2870307). An algorithm developed to predict the effect of missense changes on protein structure and function (PolyPhen-2) suggests that this variant is likely to be disruptive. In summary, the available evidence is currently insufficient to determine the role of this variant in disease. Therefore, it has been classified as a Variant of Uncertain Significance.

NM_014975.3(MAST1):c.4504A>G (p.Lys1502Glu)

Gene: MAST1 (microtubule associated serine/threonine kinase 1; plus strand). Cytogenetic location: 19p13.13.
Variant type: single nucleotide variant.
Coding change: c.4504A>G on transcript NM_014975.3 (MANE Select); coding-DNA position 4504, A replaced by G.
Protein change: p.Lys1502Glu; replaces lysine 1502 with glutamic acid.
Molecular consequence: missense variant.
Genome position (GRCh38, 1-based): chr19:12,874,661, A>G. VCF-style: chr19-12874661-A-G. GRCh37 (hg19) VCF-style: chr19-12985475-A-G.
Other names: c.4504A>G (NM_014975.2); short protein forms K1502E.
Identifiers: ClinVar variation 2870307 (VCV002870307.4), dbSNP rs747131736, ClinGen allele CA9233585.